The following is an entry in ClinVar:

NM_001684.5(ATP2B4):c.687G>A (p.Gly229=)

Gene: ATP2B4 (ATPase plasma membrane Ca2+ transporting 4; plus strand). Cytogenetic location: 1q32.1.
Variant type: single nucleotide variant.
Coding change: c.687G>A on transcript NM_001684.5 (MANE Select); coding-DNA position 687, G replaced by A.
Protein change: p.Gly229=; no amino-acid change (glycine 229 retained).
Molecular consequence: synonymous variant.
Genome position (GRCh38, 1-based): chr1:203,700,243, G>A. VCF-style: chr1-203700243-G-A. GRCh37 (hg19) VCF-style: chr1-203669371-G-A.
Other names: c.687G>A, p.Gly229= (NM_001001396.3, NM_001365783.2, NM_001365784.2); c.687G>A (NM_001001396.2).
Identifiers: ClinVar variation 1626597 (VCV001626597.13), dbSNP rs2228446, ClinGen allele CA1341426.

ClinVar aggregate classification (germline): Benign. Review status: criteria provided, multiple submitters, no conflicts (2 of 4 stars). 3 submissions from 3 submitters: Benign (3). Last evaluated 2026-03-10.

Conditions:
ATP2B4-related disorder. Also called: ATP2B4-related condition.

Allele frequency attached by ClinVar (database versions not stated): 1000 Genomes Project 0.00499; 1000 Genomes Project 30x 0.00562; TOPMed 0.01070; gnomAD exomes 0.01073 and 0.01561; ExAC 0.01090; gnomAD 0.01092 and 0.01120; ESP Exome Variant Server 0.01407.
gnomAD v4.1: 24,353 of 1,613,832 alleles (1.5%); highest among the groups gnomAD compares: Non-Finnish European, 1.8%; 236 homozygotes.

Submissions (3):

PreventionGenetics, part of Exact Sciences
Classification: Benign for ATP2B4-related condition. Last evaluated: 2026-03-10. Review status: criteria provided, single submitter. Criteria: ACMG Guidelines, 2015. Collection method: clinical testing. Allele origin: germline.
Comment: This variant is classified as benign based on ACMG/AMP sequence variant interpretation guidelines (Richards et al. 2015 PMID: 25741868, with internal and published modifications).

Labcorp Genetics (formerly Invitae), Labcorp
Classification: Benign. Last evaluated: 2026-01-26. Review status: criteria provided, single submitter. Criteria: Invitae Variant Classification Sherloc (09022015). Collection method: clinical testing. Allele origin: germline.

Breakthrough Genomics
Classification: Benign. Review status: criteria provided, single submitter. Criteria: ACMG Guidelines, 2015. Collection method: not provided. Allele origin: germline. Inheritance: Unknown mechanism. Affected: yes.